The following is an entry in ClinVar:

NM_002838.5(PTPRC):c.1887T>A (p.Asn629Lys)

Gene: PTPRC (protein tyrosine phosphatase receptor type C; plus strand). Cytogenetic location: 1q32.1.
Variant type: single nucleotide variant.
Coding change: c.1887T>A on transcript NM_002838.5 (MANE Select); coding-DNA position 1887, T replaced by A.
Protein change: p.Asn629Lys; replaces asparagine 629 with lysine.
Molecular consequence: missense variant.
Genome position (GRCh38, 1-based): chr1:198,731,639, T>A. VCF-style: chr1-198731639-T-A. GRCh37 (hg19) VCF-style: chr1-198700768-T-A.
Other names: c.1404T>A, p.Asn468Lys (NM_080921.4); short protein forms N629K, N468K.
Identifiers: ClinVar variation 1039733 (VCV001039733.8), dbSNP rs1654392123, ClinGen allele CA344043858.
Genomic context (GRCh38, chr1:198,731,639, plus strand): 5'-CACATGTAACTAGTATTGAATCTTTAATATGTTTCCAGATGATGAAAAACAACTGATGAA[T>A]GTGGAGCCAATCCATGCAGATATTTTGTTGGAAACTTATAAGAGGAAGATTGCTGATGAA-3'
Protein context (NP_002829.3, residues 619-639): VERDDEKQLM[Asn629Lys]VEPIHADILL

ClinVar aggregate classification (germline): Uncertain significance (1 of 4 stars; one submission).

Conditions:
Immunodeficiency 104. Also called: SCID, AUTOSOMAL RECESSIVE, T CELL-NEGATIVE, B CELL-POSITIVE, NK CELL-POSITIVE; Severe combined immunodeficiency, autosomal recessive, T cell-negative, B cell-positive, NK cell-positive; Severe Combined Immune Deficiency, Autosomal Recessive, TCell -Negative, B Cell-Positive, NK Cell-Positive, IL7R-Related; IMMUNODEFICIENCY 104, SEVERE COMBINED. Identifiers: MedGen C5676890, MONDO:0012163, OMIM 608971.

Submission:

Labcorp Genetics (formerly Invitae), Labcorp
Classification: Uncertain significance for Immunodeficiency 104. Last evaluated: 2020-02-19. Review status: criteria provided, single submitter. Criteria: Invitae Variant Classification Sherloc (09022015). Collection method: clinical testing. Allele origin: germline.
Comment: This variant has not been reported in the literature in individuals with PTPRC-related conditions. This sequence change replaces asparagine with lysine at codon 629 of the PTPRC protein (p.Asn629Lys). The asparagine residue is moderately conserved and there is a moderate physicochemical difference between asparagine and lysine. This variant is not present in population databases (ExAC no frequency). Algorithms developed to predict the effect of missense changes on protein structure and function (SIFT, PolyPhen-2, Align-GVGD) all suggest that this variant is likely to be tolerated, but these predictions have not been confirmed by published functional studies and their clinical significance is uncertain. In summary, the available evidence is currently insufficient to determine the role of this variant in disease. Therefore, it has been classified as a Variant of Uncertain Significance.